The following is an entry in ClinVar:

NM_139215.3(TAF15):c.1332_1358dup (p.Arg459_Gly460insSerGlyGlyGlyTyrGlyGlyAspArg)

Gene: TAF15 (TATA-box binding protein associated factor 15; plus strand). Cytogenetic location: 17q12.
Variant type: Duplication.
Coding change: c.1332_1358dup on transcript NM_139215.3 (MANE Select); coding-DNA positions 1332 to 1358, 27 bases duplicated (CGGCTATGGTGGAGACAGAAGTGGGGG).
Protein change: p.Arg459_Gly460insSerGlyGlyGlyTyrGlyGlyAspArg.
Genome position (GRCh38, 1-based): chr17:35,844,631-35,844,657, CGGCTATGGTGGAGACAGAAGTGGGGG duplicated; duplicating any 27 consecutive bases within chr17:35,844,620-35,844,657 gives the same sequence; the c. name uses the placement nearest the transcript's 3' end. VCF-style (leftmost placement, unchanged base first): chr17-35844619-T-TAGAAGTGGGGGCGGCTATGGTGGAGAC. GRCh37 (hg19) VCF-style: chr17-34171623-T-TAGAAGTGGGGGCGGCTATGGTGGAGAC.
Other names: p.Ser451_Arg459dup; c.1323_1349dup, p.Arg456_Gly457insSerGlyGlyGlyTyrGlyGlyAspArg (NM_003487.4); c.1332_1358dup (NM_139215.2); c.1332_1358dup27 (NM_139215.2).
Identifiers: ClinVar variation 3045921 (VCV003045921.4), dbSNP rs749600689, ClinGen allele CA728397162.

ClinVar aggregate classification (germline): Conflicting classifications of pathogenicity. Review status: criteria provided, conflicting classifications (1 of 4 stars). 3 submissions from 3 submitters: Uncertain significance (1); Benign (1). 1 of the submissions does not count toward it. Last evaluated 2024-07-23.

Conditions:
TAF15-related disorder. Also called: TAF15-related condition.

Submissions (3):

GeneDx
Classification: Uncertain significance. Last evaluated: 2024-07-23. Review status: criteria provided, single submitter. Criteria: GeneDx Variant Classification Process June 2021. Collection method: clinical testing. Allele origin: germline. Affected: yes.
Comment: In-frame insertion of 9 amino acids in a non-repeat region; Has not been previously published as pathogenic or benign to our knowledge

Mayo Clinic Laboratories, Mayo Clinic
Classification: Benign. Last evaluated: 2023-08-21. Review status: criteria provided, single submitter. Criteria: ACMG Guidelines, 2015. Collection method: clinical testing. Allele origin: germline. Observed: 2 variant alleles.
Comment: BS1, BS2

PreventionGenetics, part of Exact Sciences
Classification: Likely benign for TAF15-related condition. Last evaluated: 2022-03-18. Review status: no assertion criteria provided. Collection method: clinical testing. Allele origin: germline. Not counted in ClinVar's aggregate classification.
Comment: This variant is classified as likely benign based on ACMG/AMP sequence variant interpretation guidelines (Richards et al. 2015 PMID: 25741868, with internal and published modifications).